The following is an entry in ClinVar:

ClinVar aggregate classification (germline): Uncertain significance (1 of 4 stars; one submission).

Conditions:
Dilated cardiomyopathy 1G (CMD1G). Identifiers: Orphanet 154, MedGen C1858763, MONDO:0011400, OMIM 604145.
Autosomal recessive limb-girdle muscular dystrophy type 2J (LGMDR10). Also called: Limb-girdle muscular dystrophy, type 2J; MUSCULAR DYSTROPHY, LIMB-GIRDLE, AUTOSOMAL RECESSIVE 10. Identifiers: Orphanet 140922, MedGen C1837342, MONDO:0012127, OMIM 608807.

Allele frequency attached by ClinVar (database versions not stated): gnomAD exomes below 0.00001; ExAC 0.00001.
gnomAD v4.1: 1 of 1,613,866 alleles (0.000062%); highest among the groups gnomAD compares: Non-Finnish European, 0.000085%; no homozygotes.

Submission:

Labcorp Genetics (formerly Invitae), Labcorp
Classification: Uncertain significance for Dilated cardiomyopathy 1G; Autosomal recessive limb-girdle muscular dystrophy type 2J. Last evaluated: 2024-03-27. Review status: criteria provided, single submitter. Criteria: Invitae Variant Classification Sherloc (09022015). Collection method: clinical testing. Allele origin: germline.
Comment: This sequence change replaces proline, which is neutral and non-polar, with alanine, which is neutral and non-polar, at codon 35924 of the TTN protein (p.Pro35924Ala). This variant is present in population databases (rs752429003, gnomAD 0.0009%). This variant has not been reported in the literature in individuals affected with TTN-related conditions. ClinVar contains an entry for this variant (Variation ID: 2127131). Experimental studies and prediction algorithms are not available or were not evaluated, and the functional significance of this variant is currently unknown. This variant is located in the M band of TTN (PMID: 25589632). Non-truncating variants in this region may be relevant for neuromuscular disorders, but have not been definitively shown to cause cardiomyopathy (PMID: 23975875). In summary, the available evidence is currently insufficient to determine the role of this variant in disease. Therefore, it has been classified as a Variant of Uncertain Significance.

Literature cited by the submitters: PubMed 25589632; PubMed 23975875.

NM_001267550.2(TTN):c.107770C>G (p.Pro35924Ala)

Genes: TTN (titin; minus strand), TTN-AS1 (TTN antisense RNA 1; plus strand). Cytogenetic location: 2q31.2.
Variant type: single nucleotide variant.
Coding change: c.107770C>G on transcript NM_001267550.2 (MANE Select); coding-DNA position 107770, C replaced by G.
Protein change: p.Pro35924Ala; replaces proline 35924 with alanine.
Molecular consequence: missense variant.
Genome position (GRCh38, 1-based): chr2:178,527,218, G>C on the plus strand (C>G on the coding strand, the complement: TTN is on the minus strand). VCF-style: chr2-178527218-G-C. GRCh37 (hg19) VCF-style: chr2-179391945-G-C.
Other names: c.102847C>G, p.Pro34283Ala (NM_001256850.1); c.80575C>G, p.Pro26859Ala (NM_003319.4); c.100066C>G, p.Pro33356Ala (NM_133378.4); c.80950C>G, p.Pro26984Ala (NM_133432.3); c.81151C>G, p.Pro27051Ala (NM_133437.4); short protein forms P26984A, P34283A, P35924A, P27051A, P26859A, P33356A.
Identifiers: ClinVar variation 2127131 (VCV002127131.4), dbSNP rs752429003, ClinGen allele CA1984880.
Genomic context (GRCh38, chr2:178,527,218, plus strand): 5'-TCCCCTGTTCTTGACTGTGGATTTTTCTTCCACCACAGGACCATGTTACTTCTGGGGTAG[G>C]CTCACCCGTGAAAGCACAGGCTACTGTTAGAACTTTGCCTTCATCAATGCTGATATCAGA-3'
Protein context (NP_001254479.2, residues 35914-35934): LTVACAFTGE[Pro35924Ala]TPEVTWSCGG